The following is an entry in ClinVar:

NM_182914.3(SYNE2):c.9952G>A (p.Gly3318Arg)

Gene: SYNE2 (spectrin repeat containing nuclear envelope protein 2; plus strand). Cytogenetic location: 14q23.2.
Variant type: single nucleotide variant.
Coding change: c.9952G>A on transcript NM_182914.3 (MANE Select); coding-DNA position 9952, G replaced by A.
Protein change: p.Gly3318Arg; replaces glycine 3318 with arginine.
Molecular consequence: missense variant.
Genome position (GRCh38, 1-based): chr14:64,056,151, G>A. VCF-style: chr14-64056151-G-A. GRCh37 (hg19) VCF-style: chr14-64522869-G-A.
Other names: c.9952G>A, p.Gly3318Arg (NM_015180.6); short protein forms G3318R.
Identifiers: ClinVar variation 2166713 (VCV002166713.4), dbSNP rs2097266893, ClinGen allele CA389987816.

ClinVar aggregate classification (germline): Uncertain significance (1 of 4 stars; one submission).

Conditions:
Emery-Dreifuss muscular dystrophy 5, autosomal dominant (EDMD5). Also called: EMERY-DREIFUSS MUSCULAR DYSTROPHY 5. Identifiers: Orphanet 261, MedGen C2751805, MONDO:0013072, OMIM 612999.

gnomAD v4.1: 3 of 1,613,922 alleles (0.00019%); highest among the groups gnomAD compares: Non-Finnish European, 0.00017%; no homozygotes.

Submission:

Labcorp Genetics (formerly Invitae), Labcorp
Classification: Uncertain significance for Emery-Dreifuss muscular dystrophy 5, autosomal dominant. Last evaluated: 2024-09-05. Review status: criteria provided, single submitter. Criteria: Invitae Variant Classification Sherloc (09022015). Collection method: clinical testing. Allele origin: germline.
Comment: This sequence change replaces glycine, which is neutral and non-polar, with arginine, which is basic and polar, at codon 3318 of the SYNE2 protein (p.Gly3318Arg). This variant is not present in population databases (gnomAD no frequency). This variant has not been reported in the literature in individuals affected with SYNE2-related conditions. ClinVar contains an entry for this variant (Variation ID: 2166713). An algorithm developed to predict the effect of missense changes on protein structure and function outputs the following: PolyPhen-2: "Possibly Damaging". The arginine amino acid residue is found in multiple mammalian species, which suggests that this missense change does not adversely affect protein function. In summary, the available evidence is currently insufficient to determine the role of this variant in disease. Therefore, it has been classified as a Variant of Uncertain Significance.